The following is an entry in ClinVar:

NM_000836.4(GRIN2D):c.896_899dup (p.Gly303fs)

Gene: GRIN2D (glutamate ionotropic receptor NMDA type subunit 2D; plus strand). Cytogenetic location: 19q13.33.
Variant type: Duplication.
Coding change: c.896_899dup on transcript NM_000836.4 (MANE Select); coding-DNA positions 896 to 899, 4 bases duplicated (CCCT; older notation c.896_899dupCCCT).
Protein change: p.Gly303fs; shifts the reading frame from glycine 303.
Molecular consequence: frameshift variant.
Genome position (GRCh38, 1-based): chr19:48,405,164-48,405,167, CCCT duplicated. VCF-style (leftmost placement, unchanged base first): chr19-48405163-C-CCCCT. GRCh37 (hg19) VCF-style: chr19-48908420-C-CCCCT.
Other names: short protein forms G303fs.
Identifiers: ClinVar variation 2785193 (VCV002785193.3), dbSNP rs2513664702, ClinGen allele CA2739276932.

ClinVar aggregate classification (germline): Uncertain significance (1 of 4 stars; one submission).

Submission:

Labcorp Genetics (formerly Invitae), Labcorp
Classification: Uncertain significance. Last evaluated: 2024-01-25. Review status: criteria provided, single submitter. Criteria: Invitae Variant Classification Sherloc (09022015). Collection method: clinical testing. Allele origin: germline.
Comment: This sequence change creates a premature translational stop signal (p.Gly303Cysfs*14) in the GRIN2D gene. It is expected to result in an absent or disrupted protein product. However, the current clinical and genetic evidence is not sufficient to establish whether loss-of-function variants in GRIN2D cause disease. This variant is not present in population databases (gnomAD no frequency). This premature translational stop signal has been observed in individual(s) with clinical features of developmental and epileptic encephalopathy (Invitae). In summary, the available evidence is currently insufficient to determine the role of this variant in disease. Therefore, it has been classified as a Variant of Uncertain Significance.